The following is an entry in ClinVar:

NC_000013.10:g.(?_101167671)_(101182701_?)del

Genes: GGACT (gamma-glutamylamine cyclotransferase; minus strand), PCCA (propionyl-CoA carboxylase subunit alpha; plus strand). Cytogenetic location: 13q32.3.
Variant type: Deletion.
Identifiers: ClinVar variation 1454834 (VCV001454834.6).

ClinVar aggregate classification (germline): Pathogenic (1 of 4 stars; one submission).

Conditions:
Propionic acidemia (PROP). Also called: GLYCINEMIA, KETOTIC; HYPERGLYCINEMIA WITH KETOACIDOSIS AND LEUKOPENIA; KETOTIC HYPERGLYCINEMIA. Identifiers: Orphanet 35, MedGen C0268579, MONDO:0011628, OMIM 606054, HP:0003571.

Submission:

Labcorp Genetics (formerly Invitae), Labcorp
Classification: Pathogenic for Propionic acidemia. Last evaluated: 2020-11-12. Review status: criteria provided, single submitter. Criteria: Invitae Variant Classification Sherloc (09022015). Collection method: clinical testing. Allele origin: germline.
Comment: For these reasons, this variant has been classified as Pathogenic. The region of the PCCA gene that includes exon(s) 23 has been determined to be clinically significant (PMID: 19157943, 22033733). Therefore, deletions that encompass that region are likely to disrupt protein function and cause disease. This variant has not been reported in the literature in individuals with PCCA-related conditions. This variant is a gross deletion of the genomic region encompassing exon(s) 22-24 of the PCCA gene. The 5' boundary is likely confined to intron 21. The 3' end of this event is unknown as it extends through the termination codon beyond the assayed region for this gene and may encompass additional genes. While this deletion is not anticipated to lead to nonsense mediated decay, it is expected to alter mRNA translation or result in a truncated protein product.

Literature cited by the submitters: PubMed 19157943; PubMed 22033733.